The following is an entry in ClinVar:

ClinVar aggregate classification (germline): Uncertain significance (1 of 4 stars; one submission).

Conditions:
Alport syndrome 3b, autosomal recessive. Identifiers: MedGen C5882699, MONDO:0957811, OMIM 620536.

gnomAD v4.1: 1 of 1,318,804 alleles (0.000076%); highest among the groups gnomAD compares: East Asian, 0.0023%; no homozygotes.

Submission:

3billion
Classification: Uncertain significance for Alport syndrome 3b, autosomal recessive. Last evaluated: 2024-12-05. Review status: criteria provided, single submitter. Criteria: ACMG Guidelines, 2015. Collection method: clinical testing. Allele origin: germline. Affected: yes.
Comment: The variant is observed at an extremely low frequency in the gnomAD v4.1.0 dataset (total allele frequency: <0.001%). Predicted Consequence/Location: Intron variant Therefore, this variant is classified as VUS according to the recommendation of ACMG/AMP guideline.

NM_000091.5(COL4A3):c.3418+49T>C

Genes: COL4A3 (collagen type IV alpha 3 chain; plus strand), MFF-DT (MFF divergent transcript; minus strand). Cytogenetic location: 2q36.3.
Variant type: single nucleotide variant.
Coding change: c.3418+49T>C on transcript NM_000091.5 (MANE Select); 49 bases into the intron after coding-DNA position 3418, T replaced by C.
Molecular consequence: intron variant.
Genome position (GRCh38, 1-based): chr2:227,294,619, T>C. VCF-style: chr2-227294619-T-C. GRCh37 (hg19) VCF-style: chr2-228159335-T-C.
Identifiers: ClinVar variation 4292492 (VCV004292492.1).